The following is an entry in ClinVar:

ClinVar aggregate classification (germline): Uncertain significance (1 of 4 stars; one submission).

Conditions:
Perlman syndrome (PRLMNS). Identifiers: Orphanet 2849, MedGen C0796113, MONDO:0009965, OMIM 267000.

Submission:

Labcorp Genetics (formerly Invitae), Labcorp
Classification: Uncertain significance for Perlman syndrome. Last evaluated: 2019-08-08. Review status: criteria provided, single submitter. Criteria: Invitae Variant Classification Sherloc (09022015). Collection method: clinical testing. Allele origin: germline.
Comment: This variant has not been reported in the literature in individuals with DIS3L2-related conditions. Algorithms developed to predict the effect of missense changes on protein structure and function (SIFT, PolyPhen-2, Align-GVGD) all suggest that this variant is likely to be disruptive, but these predictions have not been confirmed by published functional studies and their clinical significance is uncertain. In summary, the available evidence is currently insufficient to determine the role of this variant in disease. Therefore, it has been classified as a Variant of Uncertain Significance. This sequence change replaces proline with arginine at codon 611 of the DIS3L2 protein (p.Pro611Arg). The proline residue is highly conserved and there is a moderate physicochemical difference between proline and arginine. This variant is not present in population databases (ExAC no frequency).

NM_152383.5(DIS3L2):c.1832C>G (p.Pro611Arg)

Gene: DIS3L2 (DIS3 like 3'-5' exoribonuclease 2; plus strand). Cytogenetic location: 2q37.1.
Variant type: single nucleotide variant.
Coding change: c.1832C>G on transcript NM_152383.5 (MANE Select); coding-DNA position 1832, C replaced by G.
Protein change: p.Pro611Arg; replaces proline 611 with arginine.
Molecular consequence: missense variant. On other transcripts: non-coding transcript variant (2), intron variant (1).
Genome position (GRCh38, 1-based): chr2:232,329,905, C>G. VCF-style: chr2-232329905-C-G. GRCh37 (hg19) VCF-style: chr2-233194615-C-G.
Other names: c.1582-13440C>G (NM_001257281.2); short protein forms P611R.
Identifiers: ClinVar variation 956160 (VCV000956160.9), dbSNP rs1695685236, ClinGen allele CA350976110.